The following is an entry in ClinVar:

ClinVar aggregate classification (germline): Pathogenic. Review status: criteria provided, multiple submitters, no conflicts (2 of 4 stars). 4 submissions from 4 submitters: Pathogenic (3). 1 of the submissions does not count toward it. Last evaluated 2025-05-05.

Conditions:
Familial cancer of breast. Also called: Hereditary breast cancer; BREAST CANCER, FAMILIAL; hereditary breast carcinoma. Identifiers: Orphanet 227535, MedGen C0346153, MONDO:0016419, OMIM 114480. Disease mechanism: loss of function.
Endometrial carcinoma. Also called: Endometrial carcinoma, somatic. Identifiers: MedGen C0476089, MONDO:0002447, OMIM 608089, HP:0012114.
Hereditary cancer-predisposing syndrome. Also called: Neoplastic Syndromes, Hereditary; Hereditary neoplastic syndrome; Tumor predisposition; Hereditary Cancer Syndrome. Identifiers: Orphanet 140162, MedGen C0027672, MeSH D009386, MONDO:0015356.
Ataxia-telangiectasia syndrome (AT). Also called: Ataxia-telangiectasia, complementation group D; AT, COMPLEMENTATION GROUP C; Ataxia telangiectasia (A-T); Cerebello-oculocutaneous telangiectasia; Immunodeficiency with ataxia telangiectasia; ATAXIA-TELANGIECTASIA, COMPLEMENTATION GROUP A. Identifiers: Orphanet 100, MedGen C0004135, MONDO:0008840, OMIM 208900.

Submissions (4):

Unidad de Genética Molecular HGU Elche, Hospital General Universitario de Elche
Classification: Pathogenic for Hereditary cancer-predisposing syndrome. Last evaluated: 2025-05-05. Review status: criteria provided, single submitter. Criteria: ACMG Guidelines, 2015. Collection method: clinical testing. Allele origin: germline. Affected: yes.
Comment: PVS1 very strong; PP5 strong; PM2 supporting

Myriad Genetics, Inc.
Classification: Pathogenic for Familial cancer of breast. Last evaluated: 2024-01-19. Review status: criteria provided, single submitter. Criteria: Myriad Autosomal Dominant, Autosomal Recessive and X-Linked Classification Criteria (2023). Collection method: clinical testing. Allele origin: unknown.
Comment: This variant is considered pathogenic. This variant creates a termination codon and is predicted to result in premature protein truncation.

Labcorp Genetics (formerly Invitae), Labcorp
Classification: Pathogenic for Ataxia-telangiectasia syndrome. Last evaluated: 2022-05-18. Review status: criteria provided, single submitter. Criteria: Invitae Variant Classification Sherloc (09022015). Collection method: clinical testing. Allele origin: germline.
Comment: This variant is not present in population databases (gnomAD no frequency). This sequence change creates a premature translational stop signal (p.Gln1084*) in the ATM gene. It is expected to result in an absent or disrupted protein product. Loss-of-function variants in ATM are known to be pathogenic (PMID: 23807571, 25614872). This variant has not been reported in the literature in individuals affected with ATM-related conditions. ClinVar contains an entry for this variant (Variation ID: 665551). For these reasons, this variant has been classified as Pathogenic.

CZECANCA consortium
Classification: Pathogenic for Endometrial carcinoma. Last evaluated: 2023-02-21. Review status: no assertion criteria provided. Collection method: clinical testing. Allele origin: germline. Affected: yes. Observed: 1 variant allele. Not counted in ClinVar's aggregate classification.

Literature cited by the submitters: PubMed 23807571 (cited by Labcorp Genetics (formerly Invitae), Labcorp); PubMed 25614872 (cited by Labcorp Genetics (formerly Invitae), Labcorp).

NM_000051.4(ATM):c.3250C>T (p.Gln1084Ter)

Gene: ATM (ATM serine/threonine kinase; plus strand). Cytogenetic location: 11q22.3.
Variant type: single nucleotide variant.
Coding change: c.3250C>T on transcript NM_000051.4 (MANE Select); coding-DNA position 3250, C replaced by T.
Protein change: p.Gln1084Ter; replaces glutamine 1084 with a stop codon.
Molecular consequence: nonsense.
Genome position (GRCh38, 1-based): chr11:108,272,818, C>T. VCF-style: chr11-108272818-C-T. GRCh37 (hg19) VCF-style: chr11-108143545-C-T.
Other names: c.3250C>T, p.Gln1084Ter (NM_001351834.2); short protein forms Q1084*.
Identifiers: ClinVar variation 665551 (VCV000665551.9), dbSNP rs1386063673, ClinGen allele CA382516057.
Genomic context (GRCh38, chr11:108,272,818, plus strand): 5'-ATGGGAAAAGACTTTCCTGTAAATGAAGTATTTACACAATTTCTTGCTGACAATCATCAC[C>T]AAGTTCGCATGTTGGCTGCAGAGTCAATCAATAGGTAATGGGTCAAATATTCATGAAGTA-3'